The following is an entry in ClinVar:

ClinVar aggregate classification (germline): Uncertain significance (1 of 4 stars; one submission).

gnomAD v4.1: 2 of 1,235,662 alleles (0.00016%); highest among the groups gnomAD compares: Middle Eastern, 0.032%; no homozygotes.

Submission:

Labcorp Genetics (formerly Invitae), Labcorp
Classification: Uncertain significance. Last evaluated: 2024-11-28. Review status: criteria provided, single submitter. Criteria: Invitae Variant Classification Sherloc (09022015). Collection method: clinical testing. Allele origin: germline.
Comment: This sequence change replaces glycine, which is neutral and non-polar, with aspartic acid, which is acidic and polar, at codon 70 of the GRIN2D protein (p.Gly70Asp). The frequency data for this variant in the population databases is considered unreliable, as metrics indicate insufficient coverage at this position in the gnomAD database. This variant has not been reported in the literature in individuals affected with GRIN2D-related conditions. Invitae Evidence Modeling of protein sequence and biophysical properties (such as structural, functional, and spatial information, amino acid conservation, physicochemical variation, residue mobility, and thermodynamic stability) indicates that this missense variant is not expected to disrupt GRIN2D protein function with a negative predictive value of 95%. In summary, the available evidence is currently insufficient to determine the role of this variant in disease. Therefore, it has been classified as a Variant of Uncertain Significance.

NM_000836.4(GRIN2D):c.209G>A (p.Gly70Asp)

Gene: GRIN2D (glutamate ionotropic receptor NMDA type subunit 2D; plus strand). Cytogenetic location: 19q13.33.
Variant type: single nucleotide variant.
Coding change: c.209G>A on transcript NM_000836.4 (MANE Select); coding-DNA position 209, G replaced by A.
Protein change: p.Gly70Asp; replaces glycine 70 with aspartic acid.
Molecular consequence: missense variant.
Genome position (GRCh38, 1-based): chr19:48,398,601, G>A. VCF-style: chr19-48398601-G-A. GRCh37 (hg19) VCF-style: chr19-48901858-G-A.
Other names: short protein forms G70D.
Identifiers: ClinVar variation 3664283 (VCV003664283.2).